The following is an entry in ClinVar:

ClinVar aggregate classification (germline): Pathogenic (1 of 4 stars; one submission).

Conditions:
RYR1-related disorder. Also called: RYR1-related disorders; RYR1-related condition. Identifiers: MedGen CN239331.

Submission:

Labcorp Genetics (formerly Invitae), Labcorp
Classification: Pathogenic for RYR1-related disorder. Last evaluated: 2023-05-20. Review status: criteria provided, single submitter. Criteria: Invitae Variant Classification Sherloc (09022015). Collection method: clinical testing. Allele origin: unknown.
Comment: For these reasons, this variant has been classified as Pathogenic. This variant has not been reported in the literature in individuals affected with RYR1-related conditions. This variant is a gross deletion of the genomic region encompassing exon(s) 77-89 of the RYR1 gene. This deletion is out-of-frame, and is expected to create a premature termination codon and result in an absent or disrupted protein product. Loss-of-function variants in RYR1 are known to be pathogenic (PMID: 23919265, 25960145, 28818389, 30611313).

Literature cited by the submitters: PubMed 23919265; PubMed 25960145; PubMed 28818389; PubMed 30611313.

NC_000019.9:g.(?_39023110)_(39039080_?)del

Gene: RYR1 (ryanodine receptor 1; plus strand). Cytogenetic location: 19q13.2.
Variant type: Deletion.
Identifiers: ClinVar variation 3242617 (VCV003242617.1).